The following is an entry in ClinVar:

ClinVar aggregate classification (germline): Uncertain significance (1 of 4 stars; one submission).

Conditions:
Desbuquois dysplasia 1 (DBQD1). Also called: DESBUQUOIS DYSPLASIA 1, KIM VARIANT; MICROMELIC DWARFISM WITH VERTEBRAL AND METAPHYSEAL ABNORMALITIES AND ADVANCED CARPOTARSAL OSSIFICATION. Identifiers: Orphanet 1425, MedGen C4012146, MONDO:0009629, OMIM 251450.

Allele frequency attached by ClinVar (database versions not stated): gnomAD 0.00042 and 0.00047; TOPMed 0.00046.
gnomAD v4.1: 88 of 1,123,924 alleles (0.0078%); highest among the groups gnomAD compares: African/African-American, 0.13%; no homozygotes.

Submission:

Labcorp Genetics (formerly Invitae), Labcorp
Classification: Uncertain significance for Desbuquois dysplasia 1. Last evaluated: 2025-01-06. Review status: criteria provided, single submitter. Criteria: Invitae Variant Classification Sherloc (09022015). Collection method: clinical testing. Allele origin: germline.
Comment: This sequence change replaces proline, which is neutral and non-polar, with arginine, which is basic and polar, at codon 63 of the XYLT1 protein (p.Pro63Arg). This variant is present in population databases (no rsID available, gnomAD 0.1%). This variant has not been reported in the literature in individuals affected with XYLT1-related conditions. ClinVar contains an entry for this variant (Variation ID: 1515923). Invitae Evidence Modeling of protein sequence and biophysical properties (such as structural, functional, and spatial information, amino acid conservation, physicochemical variation, residue mobility, and thermodynamic stability) indicates that this missense variant is not expected to disrupt XYLT1 protein function with a negative predictive value of 80%. In summary, the available evidence is currently insufficient to determine the role of this variant in disease. Therefore, it has been classified as a Variant of Uncertain Significance.

NM_022166.4(XYLT1):c.188C>G (p.Pro63Arg)

Gene: XYLT1 (xylosyltransferase 1; minus strand). Cytogenetic location: 16p12.3.
Variant type: single nucleotide variant.
Coding change: c.188C>G on transcript NM_022166.4 (MANE Select); coding-DNA position 188, C replaced by G.
Protein change: p.Pro63Arg; replaces proline 63 with arginine.
Molecular consequence: missense variant.
Genome position (GRCh38, 1-based): chr16:17,470,609, G>C on the plus strand (C>G on the coding strand, the complement: XYLT1 is on the minus strand). VCF-style: chr16-17470609-G-C. GRCh37 (hg19) VCF-style: chr16-17564466-G-C.
Other names: short protein forms P63R.
Identifiers: ClinVar variation 1515923 (VCV001515923.5), dbSNP rs1028782929, ClinGen allele CA279106529.
Genomic context (GRCh38, chr16:17,470,609, plus strand): 5'-CCTCCTCCTCCTCCTCGGGCTGCAGCCGGCTCGGCGGGCAGGTCCCGGCGCTCCCGGCGC[G>C]GGGCCGGGGCCGGGGGCGGCTGCTCCCCGCCGCCGACCGCTGCGCCCCCGCGGCGCTCCC-3'
Protein context (NP_071449.1, residues 53-73): GGEQPPPAPA[Pro63Arg]RRERRDLPAE